The following is an entry in ClinVar:

ClinVar aggregate classification (germline): Benign (1 of 4 stars; one submission).

Conditions:
Miller syndrome (POADS). Also called: GENEE-WIEDEMANN SYNDROME; Genee-Wiedemann acrofacial dysostosis. Identifiers: Orphanet 246, MedGen C0265257, MONDO:0009903, OMIM 263750.

Allele frequency attached by ClinVar (database versions not stated): 1000 Genomes Project 30x 0.54216; TOPMed 0.54307; 1000 Genomes Project 0.54493; gnomAD 0.55850 and 0.56048; gnomAD exomes 0.58333.

Submission:

Illumina Laboratory Services, Illumina
Classification: Benign for Miller syndrome. Last evaluated: 2018-01-12. Review status: criteria provided, single submitter. Criteria: ICSL Variant Classification Criteria 13 December 2019. Collection method: clinical testing. Allele origin: germline.
Comment: This variant was observed in the ICSL laboratory as part of a predisposition screen in an ostensibly healthy population. It had not been previously curated by ICSL or reported in the Human Gene Mutation Database (HGMD: prior to June 1st, 2018), and was therefore a candidate for classification through an automated scoring system. Utilizing variant allele frequency, disease prevalence and penetrance estimates, and inheritance mode, an automated score was calculated to assess if this variant is too frequent to cause the disease. Based on the score and internal cut-off values, a variant classified as benign is not then subjected to further curation. The score for this variant resulted in a classification of benign for this disease.

NM_001361.5(DHODH):c.*1051A>G

Gene: DHODH (dihydroorotate dehydrogenase (quinone); plus strand). Cytogenetic location: 16q22.2.
Variant type: single nucleotide variant.
Coding change: c.*1051A>G on transcript NM_001361.5 (MANE Select); 1051 bases downstream of the stop codon, A replaced by G.
Molecular consequence: 3 prime UTR variant.
Genome position (GRCh38, 1-based): chr16:72,025,250, A>G. VCF-style: chr16-72025250-A-G. GRCh37 (hg19) VCF-style: chr16-72059149-A-G.
Identifiers: ClinVar variation 320459 (VCV000320459.5), dbSNP rs2287999, ClinGen allele CA10644211.
Genomic context (GRCh38, chr16:72,025,250, plus strand): 5'-GTAAACATTCCTGTTCCTCCTCACCCCACTCTGCAGACATGCCTTTCTGTCTGTCCTCCC[A>G]GACTTTTCCCCTGCATAAAGATGTTCATTTTGTACATACACTCAGACATACATGTGGCTG-3'